The following is an entry in ClinVar:

NM_007294.4(BRCA1):c.3172A>G (p.Ile1058Val)

Gene: BRCA1 (BRCA1 DNA repair associated; minus strand). Cytogenetic location: 17q21.31.
Variant type: single nucleotide variant.
Coding change: c.3172A>G on transcript NM_007294.4 (MANE Select); coding-DNA position 3172, A replaced by G.
Protein change: p.Ile1058Val; replaces isoleucine 1058 with valine.
Molecular consequence: missense variant. On other transcripts: intron variant (137).
Genome position (GRCh38, 1-based): chr17:43,092,359, T>C on the plus strand (A>G on the coding strand, the complement: BRCA1 is on the minus strand). VCF-style: chr17-43092359-T-C. GRCh37 (hg19) VCF-style: chr17-41244376-T-C.
Other names: c.2959A>G, p.Ile987Val (NM_001407571.1, NM_001407853.1, NM_001407894.1 and 9 more transcripts); c.3172A>G, p.Ile1058Val (NM_001407581.1, NM_001407582.1, NM_001407583.1 and 30 more transcripts); c.3169A>G, p.Ile1057Val (NM_001407587.1, NM_001407590.1, NM_001407591.1 and 22 more transcripts); c.3163A>G, p.Ile1055Val (NM_001407646.1, NM_001407647.1); c.3049A>G, p.Ile1017Val (NM_001407648.1, NM_001407664.1, NM_001407665.1 and 19 more transcripts); c.3046A>G, p.Ile1016Val (NM_001407649.1, NM_001407670.1, NM_001407671.1 and 11 more transcripts); c.3094A>G, p.Ile1032Val (NM_001407653.1, NM_001407654.1, NM_001407655.1 and 4 more transcripts); c.3091A>G, p.Ile1031Val (NM_001407659.1, NM_001407660.1, NM_001407661.1 and 1 more transcripts); and 41 more; short protein forms I1058V, I1011V, I1010V, I1016V, I1017V, I1031V, I1057V, I762V.
Identifiers: ClinVar variation 421966 (VCV000421966.23), dbSNP rs1064795478, ClinGen allele CA10595644.

ClinVar aggregate classification (germline): Conflicting classifications of pathogenicity. Review status: criteria provided, conflicting classifications (1 of 4 stars). 6 submissions from 6 submitters: Uncertain significance (5); Likely benign (1). Last evaluated 2024-06-10.

Conditions:
Hereditary breast ovarian cancer syndrome. Also called: Hereditary breast and ovarian cancer syndrome (HBOC); BRCA1- and BRCA2-Associated Hereditary Breast and Ovarian Cancer; Hereditary breast and/or ovarian cancer syndrome; Hereditary breast and ovarian cancer syndrome; Hereditary breast and ovarian cancer; Breast and ovarian cancer. Identifiers: Orphanet 145, MedGen C0677776, MeSH D061325, MONDO:0003582. Disease mechanism: loss of function.
Hereditary cancer-predisposing syndrome. Also called: Neoplastic Syndromes, Hereditary; Hereditary neoplastic syndrome; Tumor predisposition; Hereditary Cancer Syndrome. Identifiers: Orphanet 140162, MedGen C0027672, MeSH D009386, MONDO:0015356.
Breast-ovarian cancer, familial, susceptibility to, 1 (BROVCA1). Also called: BRCA1 Hereditary Breast and Ovarian Cancer; OVARIAN CANCER, SUSCEPTIBILITY TO. Identifiers: Orphanet 145, MedGen C2676676, MONDO:0011450, OMIM 604370. Disease mechanism: loss of function.

Submissions (6):

Labcorp Genetics (formerly Invitae), Labcorp
Classification: Uncertain significance for Hereditary breast ovarian cancer syndrome. Last evaluated: 2024-06-10. Review status: criteria provided, single submitter. Criteria: Invitae Variant Classification Sherloc (09022015). Collection method: clinical testing. Allele origin: germline.
Comment: This sequence change replaces isoleucine, which is neutral and non-polar, with valine, which is neutral and non-polar, at codon 1058 of the BRCA1 protein (p.Ile1058Val). This variant is not present in population databases (gnomAD no frequency). This variant has not been reported in the literature in individuals affected with BRCA1-related conditions. ClinVar contains an entry for this variant (Variation ID: 421966). Advanced modeling of protein sequence and biophysical properties (such as structural, functional, and spatial information, amino acid conservation, physicochemical variation, residue mobility, and thermodynamic stability) performed at Invitae indicates that this missense variant is not expected to disrupt BRCA1 protein function with a negative predictive value of 95%. In summary, the available evidence is currently insufficient to determine the role of this variant in disease. Therefore, it has been classified as a Variant of Uncertain Significance.

University of Washington Department of Laboratory Medicine, University of Washington
Classification: Likely benign for Hereditary cancer-predisposing syndrome. Last evaluated: 2023-03-23. Review status: criteria provided, single submitter. Criteria: Dines et al. (Genet Med. 2020). Collection method: curation. Allele origin: germline.
Comment: Missense variant in a coldspot region where missense variants are very unlikely to be pathogenic (PMID:31911673).

BRCA1 coldspot (exon 11 using historical exon numbering). Reclassification based on statistical prior probability

Color Diagnostics, LLC DBA Color Health
Classification: Uncertain significance for Hereditary cancer-predisposing syndrome. Last evaluated: 2019-04-30. Review status: criteria provided, single submitter. Criteria: ACMG Guidelines, 2015. Collection method: clinical testing. Allele origin: germline.

GeneDx
Classification: Uncertain significance. Last evaluated: 2018-06-29. Review status: criteria provided, single submitter. Criteria: GeneDx Variant Classification (06012015). Collection method: clinical testing. Allele origin: germline. Affected: yes.
Comment: This variant is denoted BRCA1 c.3172A>G at the cDNA level, p.Ile1058Val (I1058V) at the protein level, and results in the change of an Isoleucine to a Valine (ATT>GTT). Using alternate nomenclature, this variant would be defined as BRCA1 3291A>G. This variant has not, to our knowledge, been published in the literature as a pathogenic or benign germline variant. BRCA1 Ile1058Val was not observed in large population cohorts (Lek 2016). This variant is located in the DNA Binding domain and the RAD51 binding domain (Chen 1998, Narod 2004). In silico analysis, which includes protein predictors and evolutionary conservation, supports that this variant does not alter protein structure/function. Based on currently available evidence, it is unclear whether BRCA1 Ile1058Val is a pathogenic or benign variant. We consider it to be a variant of uncertain significance.

Ambry Genetics
Classification: Uncertain significance for Hereditary cancer-predisposing syndrome. Last evaluated: 2017-02-14. Review status: criteria provided, single submitter. Criteria: Ambry Variant Classification Scheme 2023. Collection method: clinical testing. Allele origin: germline.
Comment: The p.I1058V variant (also known as c.3172A>G), located in coding exon 9 of the BRCA1 gene, results from an A to G substitution at nucleotide position 3172. The isoleucine at codon 1058 is replaced by valine, an amino acid with highly similar properties. This amino acid position is not well conserved in available vertebrate species. In addition, this alteration is predicted to be tolerated by in silico analysis. Since supporting evidence is limited at this time, the clinical significance of this alteration remains unclear.

Molecular Endocrinology Laboratory, Christian Medical College
Classification: Uncertain significance for Breast-ovarian cancer, familial, susceptibility to, 1. Review status: criteria provided, single submitter. Criteria: ACMG Guidelines, 2015. Collection method: clinical testing. Allele origin: germline. Affected: yes.